The following is an entry in ClinVar:

ClinVar aggregate classification (germline): Benign/Likely benign. Review status: criteria provided, multiple submitters, no conflicts (2 of 4 stars). 9 submissions from 9 submitters: Benign (6); Likely benign (1). 2 of the submissions do not count toward it. Last evaluated 2026-05-08.

Conditions:
Iodotyrosyl coupling defect (TDH3). Also called: HYPOTHYROIDISM, CONGENITAL, DUE TO DYSHORMONOGENESIS, 3; THYROID HORMONOGENESIS, GENETIC DEFECT IN, 3. Identifiers: Orphanet 95716, MedGen C0342194, MONDO:0010135, OMIM 274700.

Allele frequency attached by ClinVar (database versions not stated): gnomAD exomes 0.58073; ExAC 0.58294; ESP Exome Variant Server 0.58650; gnomAD 0.59900 and 0.60185; TOPMed 0.60533; 1000 Genomes Project 30x 0.67083; 1000 Genomes Project 0.67272.
gnomAD v4.1: 875,281 of 1,613,406 alleles (54%); highest among the groups gnomAD compares: East Asian, 76%; 241,744 homozygotes.

Submissions (9):

Women's Health and Genetics/Laboratory Corporation of America, LabCorp
Classification: Benign. Last evaluated: 2026-05-08. Review status: criteria provided, single submitter. Criteria: LabCorp Variant Classification Summary - May 2015. Collection method: clinical testing. Allele origin: germline.

Labcorp Genetics (formerly Invitae), Labcorp
Classification: Benign. Last evaluated: 2026-02-04. Review status: criteria provided, single submitter. Criteria: Invitae Variant Classification Sherloc (09022015). Collection method: clinical testing. Allele origin: germline.

Blueprint Genetics
Classification: Likely benign. Last evaluated: 2024-11-27. Review status: criteria provided, single submitter. Criteria: ACMG Guidelines, 2015. Collection method: clinical testing. Allele origin: germline.

Genome-Nilou Lab
Classification: Benign for Iodotyrosyl coupling defect. Last evaluated: 2021-09-10. Review status: criteria provided, single submitter. Criteria: ACMG Guidelines, 2015. Collection method: clinical testing. Allele origin: germline. Affected: no.

Illumina Laboratory Services, Illumina
Classification: Benign for Iodotyrosyl coupling defect. Last evaluated: 2018-01-13. Review status: criteria provided, single submitter. Criteria: ICSL Variant Classification Criteria 13 December 2019. Collection method: clinical testing. Allele origin: germline.
Comment: This variant was observed in the ICSL laboratory as part of a predisposition screen in an ostensibly healthy population. It had not been previously curated by ICSL or reported in the Human Gene Mutation Database (HGMD: prior to June 1st, 2018), and was therefore a candidate for classification through an automated scoring system. Utilizing variant allele frequency, disease prevalence and penetrance estimates, and inheritance mode, an automated score was calculated to assess if this variant is too frequent to cause the disease. Based on the score and internal cut-off values, a variant classified as benign is not then subjected to further curation. The score for this variant resulted in a classification of benign for this disease.

Breakthrough Genomics
Classification: Benign. Review status: criteria provided, single submitter. Criteria: ACMG Guidelines, 2015. Collection method: not provided. Allele origin: germline. Inheritance: Autosomal recessive inheritance. Affected: yes.

PreventionGenetics, part of Exact Sciences
Classification: Benign. Review status: criteria provided, single submitter. Criteria: ACMG Guidelines, 2015. Collection method: clinical testing. Allele origin: germline.

Clinical Genetics, Academic Medical Center
Classification: Benign. Review status: no assertion criteria provided. Collection method: clinical testing. Allele origin: germline. Affected: yes. Study: VKGL Data-share Consensus. Not counted in ClinVar's aggregate classification.

Diagnostic Laboratory, Department of Genetics, University Medical Center Groningen
Classification: Benign. Review status: no assertion criteria provided. Collection method: clinical testing. Allele origin: germline. Affected: yes. Study: VKGL Data-share Consensus. Not counted in ClinVar's aggregate classification.

NM_003235.5(TG):c.2334T>C (p.Pro778=)

Gene: TG (thyroglobulin; plus strand). Cytogenetic location: 8q24.22.
Variant type: single nucleotide variant.
Coding change: c.2334T>C on transcript NM_003235.5 (MANE Select); coding-DNA position 2334, T replaced by C.
Protein change: p.Pro778=; no amino-acid change (proline 778 retained).
Molecular consequence: synonymous variant.
Genome position (GRCh38, 1-based): chr8:132,888,141, T>C. VCF-style: chr8-132888141-T-C. GRCh37 (hg19) VCF-style: chr8-133900386-T-C.
Identifiers: ClinVar variation 258989 (VCV000258989.18), dbSNP rs2069550, ClinGen allele CA4883382.